The following is an entry in ClinVar:

ClinVar aggregate classification (germline): Uncertain significance (1 of 4 stars; one submission).

Conditions:
Legius syndrome. Identifiers: Orphanet 137605, MedGen C1969623, MONDO:0012669, OMIM 611431. Disease mechanism: loss of function.

Submission:

Labcorp Genetics (formerly Invitae), Labcorp
Classification: Uncertain significance for Legius syndrome. Last evaluated: 2023-04-03. Review status: criteria provided, single submitter. Criteria: Invitae Variant Classification Sherloc (09022015). Collection method: clinical testing. Allele origin: germline.
Comment: This sequence change falls in intron 5 of the SPRED1 gene. It does not directly change the encoded amino acid sequence of the SPRED1 protein. This variant has not been reported in the literature in individuals affected with SPRED1-related conditions. Algorithms developed to predict the effect of sequence changes on RNA splicing suggest that this variant may disrupt the consensus splice site. In summary, the available evidence is currently insufficient to determine the role of this variant in disease. Therefore, it has been classified as a Variant of Uncertain Significance. This variant is not present in population databases (gnomAD no frequency).

NM_152594.3(SPRED1):c.574_582+14dup

Gene: SPRED1 (sprouty related EVH1 domain containing 1; plus strand). Cytogenetic location: 15q14.
Variant type: Duplication.
Coding change: c.574_582+14dup on transcript NM_152594.3 (MANE Select); coding-DNA position 574 through 14 bases into the intron after coding-DNA position 582, 23 bases duplicated (GCCAATCAGGTAAGAAGATAAAA).
Molecular consequence: splice donor variant.
Genome position (GRCh38, 1-based): chr15:38,339,887-38,339,909, GCCAATCAGGTAAGAAGATAAAA duplicated; duplicating any 23 consecutive bases within chr15:38,339,885-38,339,909 gives the same sequence; the c. name uses the placement nearest the transcript's 3' end. VCF-style (leftmost placement, unchanged base first): chr15-38339884-C-CAAGCCAATCAGGTAAGAAGATAA. GRCh37 (hg19) VCF-style: chr15-38632085-C-CAAGCCAATCAGGTAAGAAGATAA.
Identifiers: ClinVar variation 2912915 (VCV002912915.3), dbSNP rs2542724051, ClinGen allele CA2627715874.
Genomic context (GRCh38, chr15:38,339,884, plus strand): 5'-TCAAATATAAGACCTTCTCCCTTTGAAGATCTGAATGCCAGAAGAGTCTACATGCAAAGC[C>CAAGCCAATCAGGTAAGAAGATAA]AAGCCAATCAGGTAAGAAGATAAAATATTTTTTCGGCGCGTTGTTTATATGTGTAGAAAT-3'